The following is an entry in ClinVar:

NM_001041.4(SI):c.3124T>C (p.Tyr1042His)

Gene: SI (sucrase-isomaltase; minus strand). Cytogenetic location: 3q26.1.
Variant type: single nucleotide variant.
Coding change: c.3124T>C on transcript NM_001041.4 (MANE Select); coding-DNA position 3124, T replaced by C.
Protein change: p.Tyr1042His; replaces tyrosine 1042 with histidine.
Molecular consequence: missense variant.
Genome position (GRCh38, 1-based): chr3:165,021,359, A>G on the plus strand (T>C on the coding strand, the complement: SI is on the minus strand). VCF-style: chr3-165021359-A-G. GRCh37 (hg19) VCF-style: chr3-164739147-A-G.
Other names: short protein forms Y1042H.
Identifiers: ClinVar variation 1955007 (VCV001955007.5), dbSNP rs1253149802, ClinGen allele CA355041137.

ClinVar aggregate classification (germline): Uncertain significance (1 of 4 stars; one submission).

Allele frequency attached by ClinVar (database versions not stated): gnomAD 0.00001.
gnomAD v4.1: 2 of 1,610,388 alleles (0.00012%); highest among the groups gnomAD compares: African/African-American, 0.0013%; no homozygotes.

Submission:

Labcorp Genetics (formerly Invitae), Labcorp
Classification: Uncertain significance. Last evaluated: 2022-08-07. Review status: criteria provided, single submitter. Criteria: Invitae Variant Classification Sherloc (09022015). Collection method: clinical testing. Allele origin: germline.
Comment: In summary, the available evidence is currently insufficient to determine the role of this variant in disease. Therefore, it has been classified as a Variant of Uncertain Significance. Algorithms developed to predict the effect of missense changes on protein structure and function are either unavailable or do not agree on the potential impact of this missense change (SIFT: "Deleterious"; PolyPhen-2: "Probably Damaging"; Align-GVGD: "Class C0"). This variant has not been reported in the literature in individuals affected with SI-related conditions. This variant is present in population databases (no rsID available, gnomAD 0.01%). This sequence change replaces tyrosine, which is neutral and polar, with histidine, which is basic and polar, at codon 1042 of the SI protein (p.Tyr1042His).